The following is an entry in ClinVar:

ClinVar aggregate classification (germline): Uncertain significance (1 of 4 stars; one submission).

Conditions:
DNAJC13-related disorder. Also called: DNAJC13-related condition.

gnomAD v4.1: 20 of 1,611,304 alleles (0.0012%); highest among the groups gnomAD compares: Non-Finnish European, 0.0017%; no homozygotes.

Submission:

PreventionGenetics, part of Exact Sciences
Classification: Uncertain significance for DNAJC13-related condition. Last evaluated: 2025-03-10. Review status: criteria provided, single submitter. Criteria: ACMG Guidelines, 2015. Collection method: clinical testing. Allele origin: germline.
Comment: The DNAJC13 c.2230G>A variant is predicted to result in the amino acid substitution p.Val744Ile. To our knowledge, this variant has not been reported in the literature. This variant is reported in 0.0016% of alleles in individuals of European (Non-Finnish) descent in gnomAD. At this time, the clinical significance of this variant is uncertain due to the absence of conclusive functional and genetic evidence.

NM_015268.4(DNAJC13):c.2230G>A (p.Val744Ile)

Gene: DNAJC13 (DnaJ heat shock protein family (Hsp40) member C13; plus strand). Cytogenetic location: 3q22.1.
Variant type: single nucleotide variant.
Coding change: c.2230G>A on transcript NM_015268.4 (MANE Select); coding-DNA position 2230, G replaced by A.
Protein change: p.Val744Ile; replaces valine 744 with isoleucine.
Molecular consequence: missense variant.
Genome position (GRCh38, 1-based): chr3:132,473,166, G>A. VCF-style: chr3-132473166-G-A. GRCh37 (hg19) VCF-style: chr3-132192010-G-A.
Other names: c.2245G>A, p.Val749Ile (NM_001329126.2); short protein forms V744I, V749I.
Identifiers: ClinVar variation 4983774 (VCV004983774.1).
Genomic context (GRCh38, chr3:132,473,166, plus strand): 5'-GCCCCAGATTGAGCACTATGAAGTTTTTTTCTGTTCCAGAATATAAATCAGAAGCCAGTG[G>A]TTCTTCGAAAGAGAAGACAAAGAATAAAAATAGAAGCAAATTGGGATCTCTTCTATTATA-3'
Protein context (NP_056083.3, residues 734-754): QKENINQKPV[Val744Ile]LRKRRQRIKI